The following is an entry in ClinVar:

NM_000018.4(ACADVL):c.1162A>T (p.Met388Leu)

Gene: ACADVL (acyl-CoA dehydrogenase very long chain; plus strand). Cytogenetic location: 17p13.1.
Variant type: single nucleotide variant.
Coding change: c.1162A>T on transcript NM_000018.4 (MANE Select); coding-DNA position 1162, A replaced by T.
Protein change: p.Met388Leu; replaces methionine 388 with leucine.
Molecular consequence: missense variant.
Genome position (GRCh38, 1-based): chr17:7,223,217, A>T. VCF-style: chr17-7223217-A-T. GRCh37 (hg19) VCF-style: chr17-7126536-A-T.
Other names: c.1096A>T, p.Met366Leu (NM_001033859.3); c.1231A>T, p.Met411Leu (NM_001270447.2); c.934A>T, p.Met312Leu (NM_001270448.2); short protein forms M312L, M388L, M366L, M411L.
Identifiers: ClinVar variation 2165354 (VCV002165354.1), dbSNP rs2142982448, ClinGen allele CA397724485.
Genomic context (GRCh38, chr17:7,223,217, plus strand): 5'-CAGTTTGGGGAGAAAATTCACAACTTTGGGCTGATCCAGGAGAAGCTGGCACGGATGGTT[A>T]TGCTGCAGTATGTAACTGAGGTGAGGGCCTCCCAAGCCCCTCTCCCTGGAGCCCTGGGGC-3'
Protein context (NP_000009.1, residues 378-398): LIQEKLARMV[Met388Leu]LQYVTESMAY

ClinVar aggregate classification (germline): Uncertain significance (1 of 4 stars; one submission).

Conditions:
Very long chain acyl-CoA dehydrogenase deficiency (ACADVLD). Also called: Very Long-Chain Acyl-Coenzyme A Dehydrogenase Deficiency; VLCAD Deficiency. Identifiers: Orphanet 26793, MedGen C3887523, MONDO:0008723, OMIM 201475.

Allele frequency attached by ClinVar (database versions not stated): gnomAD exomes below 0.00001.
gnomAD v4.1: 2 of 1,613,842 alleles (0.00012%); highest among the groups gnomAD compares: Middle Eastern, 0.017%; no homozygotes.

Submission:

Labcorp Genetics (formerly Invitae), Labcorp
Classification: Uncertain significance for Very long chain acyl-CoA dehydrogenase deficiency. Last evaluated: 2022-07-06. Review status: criteria provided, single submitter. Criteria: Invitae Variant Classification Sherloc (09022015). Collection method: clinical testing. Allele origin: germline.
Comment: This sequence change replaces methionine, which is neutral and non-polar, with leucine, which is neutral and non-polar, at codon 388 of the ACADVL protein (p.Met388Leu). This variant is not present in population databases (gnomAD no frequency). This variant has not been reported in the literature in individuals affected with ACADVL-related conditions. Algorithms developed to predict the effect of missense changes on protein structure and function (SIFT, PolyPhen-2, Align-GVGD) all suggest that this variant is likely to be tolerated. In summary, the available evidence is currently insufficient to determine the role of this variant in disease. Therefore, it has been classified as a Variant of Uncertain Significance.